The following is an entry in ClinVar:

ClinVar aggregate classification (germline): Conflicting classifications of pathogenicity. Review status: criteria provided, conflicting classifications (1 of 4 stars). 2 submissions from 2 submitters: Uncertain significance (1); Likely benign (1). Last evaluated 2024-11-15.

Submissions (2):

Ambry Genetics
Classification: Likely benign. Last evaluated: 2024-11-15. Review status: criteria provided, single submitter. Criteria: Ambry Variant Classification Scheme 2023. Collection method: clinical testing. Allele origin: germline.

Labcorp Genetics (formerly Invitae), Labcorp
Classification: Uncertain significance. Last evaluated: 2023-08-09. Review status: criteria provided, single submitter. Criteria: Invitae Variant Classification Sherloc (09022015). Collection method: clinical testing. Allele origin: germline.
Comment: This variant is not present in population databases (gnomAD no frequency). This sequence change replaces serine, which is neutral and polar, with asparagine, which is neutral and polar, at codon 64 of the IFT57 protein (p.Ser64Asn). This variant has not been reported in the literature in individuals affected with IFT57-related conditions. In summary, the available evidence is currently insufficient to determine the role of this variant in disease. Therefore, it has been classified as a Variant of Uncertain Significance. Algorithms developed to predict the effect of missense changes on protein structure and function output the following: SIFT: "Not Available"; PolyPhen-2: "Benign"; Align-GVGD: "Not Available". The asparagine amino acid residue is found in multiple mammalian species, which suggests that this missense change does not adversely affect protein function.

NM_018010.4(IFT57):c.191G>A (p.Ser64Asn)

Gene: IFT57 (intraflagellar transport 57; minus strand). Cytogenetic location: 3q13.13.
Variant type: single nucleotide variant.
Coding change: c.191G>A on transcript NM_018010.4 (MANE Select); coding-DNA position 191, G replaced by A.
Protein change: p.Ser64Asn; replaces serine 64 with asparagine.
Molecular consequence: missense variant.
Genome position (GRCh38, 1-based): chr3:108,222,132, C>T on the plus strand (G>A on the coding strand, the complement: IFT57 is on the minus strand). VCF-style: chr3-108222132-C-T. GRCh37 (hg19) VCF-style: chr3-107940979-C-T.
Other names: c.191G>A (NM_018010.3); short protein forms S64N.
Identifiers: ClinVar variation 2959196 (VCV002959196.4), dbSNP rs2472180029, ClinGen allele CA353911780.
Genomic context (GRCh38, chr3:108,222,132, plus strand): 5'-CTAGCAGGCACCCGGGCGCTCGGGGACGCCGGCACCCACCTGGACGGGGCCTTCAGGTTG[C>T]TCTTCCGGAGGAACTCCTCCTCGTAGCGGAGCAGCTTCAGCTTCTCCACCAAGTCCTCCA-3'
Protein context (NP_060480.1, residues 54-74): LRYEEEFLRK[Ser64Asn]NLKAPSRHYF